The following is an entry in ClinVar:

NM_001080414.4(CCDC88C):c.1051-2A>G

Gene: CCDC88C (coiled-coil and HOOK domain protein 88C; minus strand). Cytogenetic location: 14q32.11.
Variant type: single nucleotide variant.
Coding change: c.1051-2A>G on transcript NM_001080414.4 (MANE Select); the canonical splice acceptor site of the intron before coding-DNA position 1051, A replaced by G.
Molecular consequence: splice acceptor variant.
Genome position (GRCh38, 1-based): chr14:91,326,058, T>C on the plus strand (A>G on the coding strand, the complement: CCDC88C is on the minus strand). VCF-style: chr14-91326058-T-C. GRCh37 (hg19) VCF-style: chr14-91792402-T-C.
Identifiers: ClinVar variation 2759617 (VCV002759617.3), dbSNP rs1892571828, ClinGen allele CA390637554.

ClinVar aggregate classification (germline): Likely pathogenic (1 of 4 stars; one submission).

Submission:

Labcorp Genetics (formerly Invitae), Labcorp
Classification: Likely pathogenic. Last evaluated: 2023-09-10. Review status: criteria provided, single submitter. Criteria: Invitae Variant Classification Sherloc (09022015). Collection method: clinical testing. Allele origin: germline.
Comment: Algorithms developed to predict the effect of sequence changes on RNA splicing suggest that this variant may disrupt the consensus splice site. This variant has not been reported in the literature in individuals affected with CCDC88C-related conditions. This variant is not present in population databases (gnomAD no frequency). This sequence change affects an acceptor splice site in intron 10 of the CCDC88C gene. It is expected to disrupt RNA splicing. Variants that disrupt the donor or acceptor splice site typically lead to a loss of protein function (PMID: 16199547), and loss-of-function variants in CCDC88C are known to be pathogenic (PMID: 23042809, 29225145). In summary, the currently available evidence indicates that the variant is pathogenic, but additional data are needed to prove that conclusively. Therefore, this variant has been classified as Likely Pathogenic.

Literature cited by the submitters: PubMed 16199547; PubMed 23042809; PubMed 29225145.